The following is an entry in ClinVar:

ClinVar aggregate classification (germline): Uncertain significance. Review status: criteria provided, multiple submitters, no conflicts (2 of 4 stars). 2 submissions from 2 submitters: Uncertain significance (2). Last evaluated 2025-06-12.

Conditions:
Inborn genetic diseases. Identifiers: MedGen C0950123, MeSH D030342.
Predisposition to invasive fungal disease due to CARD9 deficiency (IMD103). Also called: Candidiasis, familial, 2, autosomal recessive; CARD9 IMMUNODEFICIENCY; IMMUNODEFICIENCY 103, SUSCEPTIBILITY TO FUNGAL INFECTIONS. Identifiers: Orphanet 457088, MedGen C1859353, MONDO:0008905, OMIM 212050.

Allele frequency attached by ClinVar (database versions not stated): gnomAD 0.00003 and 0.00004; ExAC 0.00005; TOPMed 0.00005.
gnomAD v4.1: 102 of 1,611,442 alleles (0.0063%); highest among the groups gnomAD compares: Non-Finnish European, 0.0084%; no homozygotes.

Submissions (2):

Ambry Genetics
Classification: Uncertain significance for Inborn genetic diseases. Last evaluated: 2025-06-12. Review status: criteria provided, single submitter. Criteria: Ambry Variant Classification Scheme 2023. Collection method: clinical testing. Allele origin: germline.

Labcorp Genetics (formerly Invitae), Labcorp
Classification: Uncertain significance for Predisposition to invasive fungal disease due to CARD9 deficiency. Last evaluated: 2023-10-29. Review status: criteria provided, single submitter. Criteria: Invitae Variant Classification Sherloc (09022015). Collection method: clinical testing. Allele origin: germline.
Comment: This sequence change replaces arginine, which is basic and polar, with cysteine, which is neutral and slightly polar, at codon 173 of the CARD9 protein (p.Arg173Cys). This variant is present in population databases (rs759264924, gnomAD 0.007%). This variant has not been reported in the literature in individuals affected with CARD9-related conditions. ClinVar contains an entry for this variant (Variation ID: 941170). Advanced modeling of protein sequence and biophysical properties (such as structural, functional, and spatial information, amino acid conservation, physicochemical variation, residue mobility, and thermodynamic stability) performed at Invitae indicates that this missense variant is not expected to disrupt CARD9 protein function with a negative predictive value of 80%. In summary, the available evidence is currently insufficient to determine the role of this variant in disease. Therefore, it has been classified as a Variant of Uncertain Significance.

NM_052813.5(CARD9):c.517C>T (p.Arg173Cys)

Gene: CARD9 (caspase recruitment domain family member 9; minus strand). Cytogenetic location: 9q34.3.
Variant type: single nucleotide variant.
Coding change: c.517C>T on transcript NM_052813.5 (MANE Select); coding-DNA position 517, C replaced by T.
Protein change: p.Arg173Cys; replaces arginine 173 with cysteine.
Molecular consequence: missense variant.
Genome position (GRCh38, 1-based): chr9:136,370,951, G>A on the plus strand (C>T on the coding strand, the complement: CARD9 is on the minus strand). VCF-style: chr9-136370951-G-A. GRCh37 (hg19) VCF-style: chr9-139265403-G-A.
Other names: c.517C>T, p.Arg173Cys (NM_052814.4); short protein forms R173C.
Identifiers: ClinVar variation 941170 (VCV000941170.7), dbSNP rs759264924, ClinGen allele CA5333109.
Genomic context (GRCh38, chr9:136,370,951, plus strand): 5'-TCTGGTGCGCCAGGCGCATGGCCAGGTCGTAGTTCTCCTCCTTGCAGCGCTTGAGCTCGC[G>A]GCTGCCGGCCTCGCACTCCTCCTTGAGCCTCTGCACACGCTCCTGGTGCTTGCGCAGCAG-3'
Protein context (NP_434700.2, residues 163-183): RLKEECEAGS[Arg173Cys]ELKRCKEENY